The following is an entry in ClinVar:

NM_133433.4(NIPBL):c.5005C>A (p.Leu1669Ile)

Gene: NIPBL (NIPBL cohesin loading factor; plus strand). Cytogenetic location: 5p13.2.
Variant type: single nucleotide variant.
Coding change: c.5005C>A on transcript NM_133433.4 (MANE Select); coding-DNA position 5005, C replaced by A.
Protein change: p.Leu1669Ile; replaces leucine 1669 with isoleucine.
Molecular consequence: missense variant.
Genome position (GRCh38, 1-based): chr5:37,019,395, C>A. VCF-style: chr5-37019395-C-A. GRCh37 (hg19) VCF-style: chr5-37019497-C-A.
Other names: c.5005C>A, p.Leu1669Ile (NM_015384.5); c.5005C>A (NM_133433.3); short protein forms L1669I.
Identifiers: ClinVar variation 3015863 (VCV003015863.5), dbSNP rs916625417, ClinGen allele CA117027409.

ClinVar aggregate classification (germline): Uncertain significance. Review status: criteria provided, single submitter (1 of 4 stars). 2 submissions from 2 submitters: Uncertain significance (1). 1 of the submissions does not count toward it. Last evaluated 2023-12-04.

Conditions:
Cornelia de Lange syndrome 1 (CDLS1). Also called: TYPUS DEGENERATIVUS AMSTELODAMENSIS; Brachmann de Lange syndrome; NIPBL-Related Cornelia de Lange Syndrome. Identifiers: Orphanet 199, MedGen C4551851, MONDO:0007387, OMIM 122470.
NIPBL-related disorder. Also called: NIPBL-related condition.

Allele frequency attached by ClinVar (database versions not stated): gnomAD 0.00001; TOPMed 0.00001.
gnomAD v4.1: 4 of 1,605,242 alleles (0.00025%); highest among the groups gnomAD compares: Non-Finnish European, 0.00034%; no homozygotes.

Submissions (2):

Labcorp Genetics (formerly Invitae), Labcorp
Classification: Uncertain significance for Cornelia de Lange syndrome 1. Last evaluated: 2023-12-04. Review status: criteria provided, single submitter. Criteria: Invitae Variant Classification Sherloc (09022015). Collection method: clinical testing. Allele origin: germline.
Comment: This sequence change replaces leucine, which is neutral and non-polar, with isoleucine, which is neutral and non-polar, at codon 1669 of the NIPBL protein (p.Leu1669Ile). This variant is not present in population databases (gnomAD no frequency). This variant has not been reported in the literature in individuals affected with NIPBL-related conditions. Advanced modeling of protein sequence and biophysical properties (such as structural, functional, and spatial information, amino acid conservation, physicochemical variation, residue mobility, and thermodynamic stability) performed at Invitae indicates that this missense variant is not expected to disrupt NIPBL protein function with a negative predictive value of 95%. In summary, the available evidence is currently insufficient to determine the role of this variant in disease. Therefore, it has been classified as a Variant of Uncertain Significance.

PreventionGenetics, part of Exact Sciences
Classification: Uncertain significance for NIPBL-related condition. Last evaluated: 2023-12-07. Review status: no assertion criteria provided. Collection method: clinical testing. Allele origin: germline. Not counted in ClinVar's aggregate classification.
Comment: The NIPBL c.5005C>A variant is predicted to result in the amino acid substitution p.Leu1669Ile. To our knowledge, this variant has not been reported in the literature or in a large population database, indicating this variant is rare. At this time, the clinical significance of this variant is uncertain due to the absence of conclusive functional and genetic evidence.